The following is an entry in ClinVar:

ClinVar aggregate classification (germline): Uncertain significance. Review status: criteria provided, multiple submitters, no conflicts (2 of 4 stars). 4 submissions from 4 submitters: Uncertain significance (4). Last evaluated 2025-11-10.

Conditions:
Gnathodiaphyseal dysplasia (GDD). Also called: GNATHODIAPHYSEAL SCLEROSIS; OSTEOGENESIS IMPERFECTA WITH UNUSUAL SKELETAL LESIONS. Identifiers: Orphanet 53697, MedGen C1833736, MONDO:0008151, OMIM 166260.
Autosomal recessive limb-girdle muscular dystrophy type 2L (LGMDR12). Also called: Limb-girdle muscular dystrophy, type 2L; Limb-Girdle Muscular Dystrophy R12 Anoctamin-5-Related (LGMD-R12); MUSCULAR DYSTROPHY, LIMB-GIRDLE, AUTOSOMAL RECESSIVE 12. Identifiers: Orphanet 206549, MedGen C1969785, MONDO:0012652, OMIM 611307.
Inborn genetic diseases. Identifiers: MedGen C0950123, MeSH D030342.

Allele frequency attached by ClinVar (database versions not stated): ExAC 0.00002; gnomAD exomes 0.00002 and 0.00006; TOPMed 0.00002; gnomAD 0.00003.
gnomAD v4.1: 25 of 1,611,998 alleles (0.0016%); highest among the groups gnomAD compares: Admixed American, 0.037%; no homozygotes.

Submissions (4):

Labcorp Genetics (formerly Invitae), Labcorp
Classification: Uncertain significance for Autosomal recessive limb-girdle muscular dystrophy type 2L; Gnathodiaphyseal dysplasia. Last evaluated: 2025-11-10. Review status: criteria provided, single submitter. Criteria: Invitae Variant Classification Sherloc (09022015). Collection method: clinical testing. Allele origin: germline.
Comment: This sequence change replaces glycine, which is neutral and non-polar, with arginine, which is basic and polar, at codon 463 of the ANO5 protein (p.Gly463Arg). This variant is present in population databases (rs776193177, gnomAD 0.04%). This missense change has been observed in individual(s) with limb-girdle muscular dystrophy (PMID: 39678382). ClinVar contains an entry for this variant (Variation ID: 284819). Invitae Evidence Modeling of protein sequence and biophysical properties (such as structural, functional, and spatial information, amino acid conservation, physicochemical variation, residue mobility, and thermodynamic stability) has been performed for this missense variant. However, the output from this modeling did not meet the statistical confidence thresholds required to predict the impact of this variant on ANO5 protein function. In summary, the available evidence is currently insufficient to determine the role of this variant in disease. Therefore, it has been classified as a Variant of Uncertain Significance.

Revvity Omics, Revvity
Classification: Uncertain significance. Last evaluated: 2023-11-28. Review status: criteria provided, single submitter. Criteria: ACMG Guidelines, 2015. Collection method: clinical testing. Allele origin: germline.

Ambry Genetics
Classification: Uncertain significance for Inborn genetic diseases. Last evaluated: 2018-03-28. Review status: criteria provided, single submitter. Criteria: Ambry exome assertion method (8-5-2015). Collection method: clinical testing. Allele origin: germline. Affected: yes. Observed: 1 variant allele.

Eurofins Ntd Llc (ga)
Classification: Uncertain significance. Last evaluated: 2016-11-22. Review status: criteria provided, single submitter. Criteria: EGL Classification Definitions 2015. Collection method: clinical testing. Allele origin: germline. Observed: 2 variant alleles, 2 heterozygotes.

Literature cited by the submitters: PubMed 39678382 (cited by Labcorp Genetics (formerly Invitae), Labcorp); PubMed 23606453 (cited by Ambry Genetics).

NM_213599.3(ANO5):c.1387G>A (p.Gly463Arg)

Gene: ANO5 (anoctamin 5; plus strand). Cytogenetic location: 11p14.3.
Variant type: single nucleotide variant.
Coding change: c.1387G>A on transcript NM_213599.3 (MANE Select); coding-DNA position 1387, G replaced by A.
Protein change: p.Gly463Arg; replaces glycine 463 with arginine.
Molecular consequence: missense variant.
Genome position (GRCh38, 1-based): chr11:22,257,734, G>A. VCF-style: chr11-22257734-G-A. GRCh37 (hg19) VCF-style: chr11-22279280-G-A.
Other names: c.1384G>A, p.Gly462Arg (NM_001142649.2); short protein forms G463R, G462R.
Identifiers: ClinVar variation 284819 (VCV000284819.16), dbSNP rs776193177, ClinGen allele CA5923235.